The following is an entry in ClinVar:

ClinVar aggregate classification (germline): Conflicting classifications of pathogenicity. Review status: criteria provided, conflicting classifications (1 of 4 stars). 5 submissions from 5 submitters: Uncertain significance (4); Likely benign (1). Last evaluated 2025-09-28.

Conditions:
Hereditary cancer-predisposing syndrome. Also called: Hereditary neoplastic syndrome; Neoplastic Syndromes, Hereditary; Hereditary Cancer Syndrome; Tumor predisposition. Identifiers: Orphanet 140162, MedGen C0027672, MeSH D009386, MONDO:0015356.
Breast-ovarian cancer, familial, susceptibility to, 2 (BROVCA2). Also called: BRCA2 Hereditary Breast and Ovarian Cancer. Identifiers: Orphanet 145, MedGen C2675520, MONDO:0012933, OMIM 612555. Disease mechanism: loss of function.
Hereditary breast ovarian cancer syndrome. Also called: Hereditary breast and ovarian cancer; Hereditary breast and ovarian cancer syndrome (HBOC); Breast and ovarian cancer; BRCA1- and BRCA2-Associated Hereditary Breast and Ovarian Cancer; Hereditary breast and/or ovarian cancer syndrome; Hereditary breast and ovarian cancer syndrome. Identifiers: Orphanet 145, MedGen C0677776, MeSH D061325, MONDO:0003582. Disease mechanism: loss of function.

Allele frequency attached by ClinVar (database versions not stated): gnomAD exomes below 0.00001.
gnomAD v4.1: 1 of 1,607,188 alleles (0.000062%); highest among the groups gnomAD compares: African/African-American, 0.0013%; no homozygotes.

Submissions (5):

Ambry Genetics
Classification: Uncertain significance for Hereditary cancer-predisposing syndrome. Last evaluated: 2025-09-28. Review status: criteria provided, single submitter. Criteria: Ambry Variant Classification Scheme 2023. Collection method: clinical testing. Allele origin: germline.
Comment: The p.H1856R variant (also known as c.5567A>G), located in coding exon 10 of the BRCA2 gene, results from an A to G substitution at nucleotide position 5567. The histidine at codon 1856 is replaced by arginine, an amino acid with highly similar properties. This amino acid position is conserved. In addition, this alteration is predicted to be tolerated by in silico analysis. Since supporting evidence is limited at this time, the clinical significance of this alteration remains unclear.

Labcorp Genetics (formerly Invitae), Labcorp
Classification: Uncertain significance for Hereditary breast ovarian cancer syndrome. Last evaluated: 2025-07-02. Review status: criteria provided, single submitter. Criteria: Invitae Variant Classification Sherloc (09022015). Collection method: clinical testing. Allele origin: germline.
Comment: This sequence change replaces histidine, which is basic and polar, with arginine, which is basic and polar, at codon 1856 of the BRCA2 protein (p.His1856Arg). This variant is not present in population databases (gnomAD no frequency). This missense change has been observed in individual(s) with clinical features of BRCA2-related conditions (PMID: 21520333). ClinVar contains an entry for this variant (Variation ID: 569685). Invitae Evidence Modeling of protein sequence and biophysical properties (such as structural, functional, and spatial information, amino acid conservation, physicochemical variation, residue mobility, and thermodynamic stability) indicates that this missense variant is not expected to disrupt BRCA2 protein function with a negative predictive value of 95%. In summary, the available evidence is currently insufficient to determine the role of this variant in disease. Therefore, it has been classified as a Variant of Uncertain Significance.

GeneDx
Classification: Uncertain significance. Last evaluated: 2023-08-21. Review status: criteria provided, single submitter. Criteria: GeneDx Variant Classification Process June 2021. Collection method: clinical testing. Allele origin: germline. Affected: yes.
Comment: Not observed at significant frequency in large population cohorts (gnomAD); In silico analysis supports that this missense variant has a deleterious effect on protein structure/function; Has not been previously published as pathogenic or benign to our knowledge; Also known as 5794A>G; This variant is associated with the following publications: (PMID: 9002670, 22193408)

KCCC/NGS Laboratory, Kuwait Cancer Control Center
Classification: Uncertain significance for Breast-ovarian cancer, familial, susceptibility to, 2. Last evaluated: 2023-06-06. Review status: criteria provided, single submitter. Criteria: ACMG Guidelines, 2015. Collection method: clinical testing. Allele origin: germline. Affected: yes.
Comment: A variant of uncertain significance was detected in this sample. This sequence change replaces histidine with arginine at codon 1856 of the BRCA2 protein (p.His1856Arg). The histidine residue is moderately conserved and there is a small physicochemical difference between histidine and arginine. This variant is not present in population databases (gnomAD ) nor in our local databases . This missense change has been observed in individual(s) with clinical features of BRCA2-related conditions (PMID: 21520333). ClinVar contains an entry for this variant (Variation ID: 569685). Algorithms developed to predict the effect of missense changes on protein structure and function output the following: SIFT: "Tolerated"; PolyPhen-2: "Benign". The arginine amino acid residue is found in multiple mammalian species, which suggests that this missense change does not adversely affect protein function. In summary, the available evidence is currently insufficient to determine the role of this variant in disease. Therefore, it has been classified as a Variant of Uncertain Significance.

University of Washington Department of Laboratory Medicine, University of Washington
Classification: Likely benign for Hereditary cancer-predisposing syndrome. Last evaluated: 2023-03-23. Review status: criteria provided, single submitter. Criteria: Dines et al. (Genet Med. 2020). Collection method: curation. Allele origin: germline.
Comment: Missense variant in a coldspot region where missense variants are very unlikely to be pathogenic (PMID:31911673).

BRCA2 exon 11 coldspot. Reclassification based on statistical prior probability.

Literature cited by the submitters: PubMed 21520333 (cited by Labcorp Genetics (formerly Invitae), Labcorp).

NM_000059.4(BRCA2):c.5567A>G (p.His1856Arg)

Gene: BRCA2 (BRCA2 DNA repair associated; plus strand). Cytogenetic location: 13q13.1.
Variant type: single nucleotide variant.
Coding change: c.5567A>G on transcript NM_000059.4 (MANE Select); coding-DNA position 5567, A replaced by G.
Protein change: p.His1856Arg; replaces histidine 1856 with arginine.
Molecular consequence: missense variant.
Genome position (GRCh38, 1-based): chr13:32,339,922, A>G. VCF-style: chr13-32339922-A-G. GRCh37 (hg19) VCF-style: chr13-32914059-A-G.
Other names: short protein forms H1856R.
Identifiers: ClinVar variation 569685 (VCV000569685.16), dbSNP rs1566232680, ClinGen allele CA387785987.